The following is an entry in ClinVar:

NM_182914.3(SYNE2):c.9558A>C (p.Gln3186His)

Gene: SYNE2 (spectrin repeat containing nuclear envelope protein 2; plus strand). Cytogenetic location: 14q23.2.
Variant type: single nucleotide variant.
Coding change: c.9558A>C on transcript NM_182914.3 (MANE Select); coding-DNA position 9558, A replaced by C.
Protein change: p.Gln3186His; replaces glutamine 3186 with histidine.
Molecular consequence: missense variant.
Genome position (GRCh38, 1-based): chr14:64,053,471, A>C. VCF-style: chr14-64053471-A-C. GRCh37 (hg19) VCF-style: chr14-64520189-A-C.
Other names: c.9558A>C, p.Gln3186His (NM_015180.6); short protein forms Q3186H.
Identifiers: ClinVar variation 1391835 (VCV001391835.6), dbSNP rs776801026, ClinGen allele CA7221287.

ClinVar aggregate classification (germline): Uncertain significance (1 of 4 stars; one submission).

Conditions:
Emery-Dreifuss muscular dystrophy 5, autosomal dominant (EDMD5). Also called: EMERY-DREIFUSS MUSCULAR DYSTROPHY 5. Identifiers: Orphanet 261, MedGen C2751805, MONDO:0013072, OMIM 612999.

gnomAD v4.1: 2 of 1,614,072 alleles (0.00012%); highest among the groups gnomAD compares: African/African-American, 0.0013%; no homozygotes.

Submission:

Labcorp Genetics (formerly Invitae), Labcorp
Classification: Uncertain significance for Emery-Dreifuss muscular dystrophy 5, autosomal dominant. Last evaluated: 2022-07-12. Review status: criteria provided, single submitter. Criteria: Invitae Variant Classification Sherloc (09022015). Collection method: clinical testing. Allele origin: germline.
Comment: This sequence change replaces glutamine, which is neutral and polar, with histidine, which is basic and polar, at codon 3186 of the SYNE2 protein (p.Gln3186His). In summary, the available evidence is currently insufficient to determine the role of this variant in disease. Therefore, it has been classified as a Variant of Uncertain Significance. Algorithms developed to predict the effect of missense changes on protein structure and function are either unavailable or do not agree on the potential impact of this missense change (SIFT: "Deleterious"; PolyPhen-2: "Probably Damaging"; Align-GVGD: "Class C0"). ClinVar contains an entry for this variant (Variation ID: 1391835). This variant has not been reported in the literature in individuals affected with SYNE2-related conditions. This variant is present in population databases (rs776801026, gnomAD 0.0009%).